The following is an entry in ClinVar:

NM_001267550.2(TTN):c.17928G>A (p.Leu5976=)

Gene: TTN (titin; minus strand). Cytogenetic location: 2q31.2.
Variant type: single nucleotide variant.
Coding change: c.17928G>A on transcript NM_001267550.2 (MANE Select); coding-DNA position 17928, G replaced by A.
Protein change: p.Leu5976=; no amino-acid change (leucine 5976 retained).
Molecular consequence: synonymous variant. On other transcripts: intron variant (3).
Genome position (GRCh38, 1-based): chr2:178,730,605, C>T on the plus strand (G>A on the coding strand, the complement: TTN is on the minus strand). VCF-style: chr2-178730605-C-T. GRCh37 (hg19) VCF-style: chr2-179595332-C-T.
Other names: p.L5659L:TTG>TTA; p.Leu5659=; c.16977G>A, p.Leu5659= (NM_001256850.1); c.14196G>A, p.Leu4732= (NM_133378.4); c.13282+7477G>A (NM_003319.4); c.13858+7477G>A (NM_133437.4); c.13657+7477G>A (NM_133432.3).
Identifiers: ClinVar variation 46634 (VCV000046634.15), dbSNP rs373963067, ClinGen allele CA246489.

ClinVar aggregate classification (germline): Conflicting classifications of pathogenicity. Review status: criteria provided, conflicting classifications (1 of 4 stars). 8 submissions from 8 submitters: Uncertain significance (2); Benign (1); Likely benign (5). Last evaluated 2025-09-10.

Conditions:
TTN-related disorder. Also called: TTN-related condition; TTN-related disease; TTN-related disorders.
Autosomal recessive limb-girdle muscular dystrophy type 2J (LGMDR10). Also called: Limb-girdle muscular dystrophy, type 2J; MUSCULAR DYSTROPHY, LIMB-GIRDLE, AUTOSOMAL RECESSIVE 10. Identifiers: Orphanet 140922, MedGen C1837342, MONDO:0012127, OMIM 608807.
Dilated cardiomyopathy 1G (CMD1G). Identifiers: Orphanet 154, MedGen C1858763, MONDO:0011400, OMIM 604145.
Cardiomyopathy (CMYO). Also called: Cardiomyopathies. Identifiers: Orphanet 167848, MedGen C0878544, MONDO:0004994, HP:0001638. Inheritance: Various modes of inheritance.

Allele frequency attached by ClinVar (database versions not stated): gnomAD exomes 0.00007 and 0.00001; gnomAD 0.00001 and 0.00002; ExAC 0.00002; TOPMed 0.00003.
gnomAD v4.1: 41 of 1,613,620 alleles (0.0025%); highest among the groups gnomAD compares: East Asian, 0.045%; no homozygotes.

Submissions (8):

Mayo Clinic Laboratories, Mayo Clinic
Classification: Likely benign. Last evaluated: 2025-09-10. Review status: criteria provided, single submitter. Criteria: ACMG Guidelines, 2015. Collection method: clinical testing. Allele origin: germline. Observed: 1 variant allele.
Comment: BS1, BP4, BP7

PreventionGenetics, part of Exact Sciences
Classification: Likely benign for TTN-related condition. Last evaluated: 2025-08-05. Review status: criteria provided, single submitter. Criteria: ACMG Guidelines, 2015. Collection method: clinical testing. Allele origin: germline.
Comment: This variant is classified as likely benign based on ACMG/AMP sequence variant interpretation guidelines (Richards et al. 2015 PMID: 25741868, with internal and published modifications).

Blueprint Genetics
Classification: Likely benign. Last evaluated: 2024-10-28. Review status: criteria provided, single submitter. Criteria: ACMG Guidelines, 2015. Collection method: clinical testing. Allele origin: germline.

CHEO Genetics Diagnostic Laboratory, Children's Hospital of Eastern Ontario
Classification: Likely benign for Cardiomyopathy. Last evaluated: 2023-02-24. Review status: criteria provided, single submitter. Criteria: ACMG Guidelines, 2015. Collection method: clinical testing. Allele origin: germline.

Labcorp Genetics (formerly Invitae), Labcorp
Classification: Uncertain significance for Dilated cardiomyopathy 1G; Autosomal recessive limb-girdle muscular dystrophy type 2J. Last evaluated: 2017-10-27. Review status: criteria provided, single submitter. Criteria: Invitae Variant Classification Sherloc (09022015). Collection method: clinical testing. Allele origin: germline.

Eurofins Ntd Llc (ga)
Classification: Uncertain significance. Last evaluated: 2014-11-23. Review status: criteria provided, single submitter. Criteria: EGL Classification Definitions 2015. Collection method: clinical testing. Allele origin: germline. Observed: 3 variant alleles, 3 heterozygotes.

GeneDx
Classification: Benign. Last evaluated: 2014-09-09. Review status: criteria provided, single submitter. Criteria: GeneDx Variant Classification (06012015). Collection method: clinical testing. Allele origin: germline. Affected: yes.
Comment: This variant is considered likely benign or benign based on one or more of the following criteria: it is a conservative change, it occurs at a poorly conserved position in the protein, it is predicted to be benign by multiple in silico algorithms, and/or has population frequency not consistent with disease.

Laboratory for Molecular Medicine, Mass General Brigham Personalized Medicine
Classification: Likely benign. Last evaluated: 2012-04-11. Review status: criteria provided, single submitter. Criteria: LMM Criteria. Collection method: clinical testing. Allele origin: germline. Observed: 1 variant allele.
Comment: Leu4732Leu in exon 58 of TTN: This variant is not expected to have clinical sign ificance because it does not alter an amino acid residue and is not located with in the splice consensus sequence. Leu4732Leu in exon 58 of TTN (allele frequen cy = n/a)